The following is an entry in ClinVar:

NM_001286.5(CLCN6):c.672G>T (p.Lys224Asn)

Gene: CLCN6 (chloride voltage-gated channel 6; plus strand). Cytogenetic location: 1p36.22.
Variant type: single nucleotide variant.
Coding change: c.672G>T on transcript NM_001286.5 (MANE Select); coding-DNA position 672, G replaced by T.
Protein change: p.Lys224Asn; replaces lysine 224 with asparagine.
Molecular consequence: missense variant. On other transcripts: non-coding transcript variant (1).
Genome position (GRCh38, 1-based): chr1:11,826,179, G>T. VCF-style: chr1-11826179-G-T. GRCh37 (hg19) VCF-style: chr1-11886236-G-T.
Other names: c.606G>T, p.Lys202Asn (NM_001256959.2); short protein forms K202N, K224N.
Identifiers: ClinVar variation 2716889 (VCV002716889.3), dbSNP rs200555989, ClinGen allele CA17995802.
Genomic context (GRCh38, chr1:11,826,179, plus strand): 5'-GTAGGCTCTTTAGTGGCTCTCTTTTCTCTTGCTTTAGTTTCAGAGCATCTCCTTACGGAA[G>T]ATCCAGTTTAACTTCCCCTATTTCCGAAGCGACAGGTATGGAAAGGTTAGAAATTGGTTT-3'
Protein context (NP_001277.2, residues 214-234): LPQFQSISLR[Lys224Asn]IQFNFPYFRS

ClinVar aggregate classification (germline): Uncertain significance (1 of 4 stars; one submission).

gnomAD v4.1: 1 of 1,613,954 alleles (0.000062%); highest among the groups gnomAD compares: Non-Finnish European, 0.000085%; no homozygotes.

Submission:

Labcorp Genetics (formerly Invitae), Labcorp
Classification: Uncertain significance. Last evaluated: 2023-05-25. Review status: criteria provided, single submitter. Criteria: Invitae Variant Classification Sherloc (09022015). Collection method: clinical testing. Allele origin: germline.
Comment: In summary, the available evidence is currently insufficient to determine the role of this variant in disease. Therefore, it has been classified as a Variant of Uncertain Significance. An algorithm developed to predict the effect of missense changes on protein structure and function (PolyPhen-2) suggests that this variant is likely to be tolerated. This variant has not been reported in the literature in individuals affected with CLCN6-related conditions. This variant is not present in population databases (gnomAD no frequency). This sequence change replaces lysine, which is basic and polar, with asparagine, which is neutral and polar, at codon 224 of the CLCN6 protein (p.Lys224Asn).